The following is an entry in ClinVar:

NM_003384.3(VRK1):c.374+1G>T

Gene: VRK1 (VRK serine/threonine kinase 1; plus strand). Cytogenetic location: 14q32.2.
Variant type: single nucleotide variant.
Coding change: c.374+1G>T on transcript NM_003384.3 (MANE Select); the canonical splice donor site of the intron after coding-DNA position 374, G replaced by T.
Molecular consequence: splice donor variant.
Genome position (GRCh38, 1-based): chr14:96,847,345, G>T. VCF-style: chr14-96847345-G-T. GRCh37 (hg19) VCF-style: chr14-97313682-G-T.
Other names: c.374+1G>T (NM_001411051.1, NM_001411053.1).
Identifiers: ClinVar variation 2694061 (VCV002694061.3), dbSNP rs2504169446, ClinGen allele CA390930190.

ClinVar aggregate classification (germline): Likely pathogenic (1 of 4 stars; one submission).

Conditions:
Pontocerebellar hypoplasia type 1A (PCH1A). Also called: PONTOCEREBELLAR HYPOPLASIA WITH ANTERIOR HORN CELL DISEASE; PONTOCEREBELLAR HYPOPLASIA WITH INFANTILE SPINAL MUSCULAR ATROPHY. Identifiers: Orphanet 2254, Orphanet 88616, MedGen C1843504, MONDO:0011866, OMIM 607596.

Allele frequency attached by ClinVar (database versions not stated): gnomAD exomes below 0.00001.
gnomAD v4.1: 2 of 1,610,536 alleles (0.00012%); highest among the groups gnomAD compares: Non-Finnish European, 0.00017%; no homozygotes.

Submission:

Labcorp Genetics (formerly Invitae), Labcorp
Classification: Likely pathogenic for Pontocerebellar hypoplasia type 1A. Last evaluated: 2023-11-07. Review status: criteria provided, single submitter. Criteria: Invitae Variant Classification Sherloc (09022015). Collection method: clinical testing. Allele origin: germline.
Comment: This sequence change affects a donor splice site in intron 5 of the VRK1 gene. It is expected to disrupt RNA splicing. Variants that disrupt the donor or acceptor splice site typically lead to a loss of protein function (PMID: 16199547), and loss-of-function variants in VRK1 are known to be pathogenic (PMID: 19646678, 24126608, 27281532). This variant is not present in population databases (gnomAD no frequency). This variant has not been reported in the literature in individuals affected with VRK1-related conditions. Algorithms developed to predict the effect of sequence changes on RNA splicing suggest that this variant may disrupt the consensus splice site. In summary, the currently available evidence indicates that the variant is pathogenic, but additional data are needed to prove that conclusively. Therefore, this variant has been classified as Likely Pathogenic.

Literature cited by the submitters: PubMed 16199547; PubMed 19646678; PubMed 24126608; PubMed 27281532.